The following is an entry in ClinVar:

ClinVar aggregate classification (germline): Pathogenic (1 of 4 stars; one submission).

Submission:

Labcorp Genetics (formerly Invitae), Labcorp
Classification: Pathogenic. Last evaluated: 2021-08-12. Review status: criteria provided, single submitter. Criteria: Invitae Variant Classification Sherloc (09022015). Collection method: clinical testing. Allele origin: germline.
Comment: This variant is a gross deletion of the genomic region encompassing exon(s) 23-33 of the EYS gene. This variant would be expected to be in-frame, preserving the integrity of the reading frame. A similar copy number variant has been observed in individual(s) with retinitis pigmentosa (Invitae). In at least one individual the data is consistent with the variant being in trans (on the opposite chromosome) from a pathogenic variant. This variant disrupts the p.Cys2139 amino acid residue in EYS. Other variant(s) that disrupt this residue have been determined to be pathogenic (PMID: 20333770, 25356976, 25753737). This suggests that this residue is clinically significant, and that variants that disrupt this residue are likely to be disease-causing. For these reasons, this variant has been classified as Pathogenic.

Literature cited by the submitters: PubMed 20333770; PubMed 25356976; PubMed 25753737.

NC_000006.12:g.(?_64066338)_(64626245_?)del

Gene: EYS (eyes shut homolog; minus strand). Cytogenetic location: 6q12.
Variant type: Deletion.
Identifiers: ClinVar variation 832687 (VCV000832687.6).